The following is an entry in ClinVar:

ClinVar aggregate classification (germline): Pathogenic. Review status: criteria provided, single submitter (1 of 4 stars). 2 submissions from 2 submitters: Pathogenic (1). 1 of the submissions does not count toward it. Last evaluated 2022-09-22.

Conditions:
Rothmund-Thomson syndrome (RTS). Also called: Poikiloderma Congenitale; Poikiloderma of Rothmund-Thomson. Identifiers: Orphanet 2909, MedGen C0032339, MONDO:0010002.
Rothmund-Thomson syndrome type 4. Identifiers: MedGen C5935619, MONDO:0970950, OMIM 620819.

Submissions (2):

Human Genome and Stem Cell Research Center, Department of Genetics and Evolutionary Biology, Institute of Biosciences, University of São Paulo
Classification: Pathogenic for Rothmund-Thomson syndrome. Last evaluated: 2022-09-22. Review status: criteria provided, single submitter. Criteria: ACMG Guidelines, 2015. Collection method: research. Allele origin: maternal, paternal. Inheritance: Autosomal recessive inheritance. Affected: yes. Observed: 2 compound heterozygotes. Clinical features observed: Poikiloderma (HP:0001029), Developmental cataract (HP:0000519), Severe postnatal growth retardation (HP:0008850).
Comment: Very rare variant, predicted to cause frameshift and NMD, in trans with the recurrent splicing variant in 2 probands with Rothmund-Thomson Syndrome with congenital cataracts and severe growth restriction (DNA related RTS). Pathogenic (PM2_sup, PVS1, PP1_mod)

OMIM
Classification: Pathogenic for ROTHMUND-THOMSON SYNDROME, TYPE 4. Last evaluated: 2024-05-07. Review status: no assertion criteria provided. Collection method: literature only. Allele origin: germline. Not counted in ClinVar's aggregate classification.

Literature cited by the submitters: PubMed 37055165 (cited by OMIM).

NM_001080449.3(DNA2):c.2208+2456_2403-18del

Gene: DNA2 (DNA replication helicase/nuclease 2; minus strand). Cytogenetic location: 10q21.3.
Variant type: Deletion.
Coding change: c.2208+2456_2403-18del on transcript NM_001080449.3 (MANE Select); 2456 bases into the intron after coding-DNA position 2208 through 18 bases into the intron before coding-DNA position 2403, 5,359 bases deleted.
Molecular consequence: splice acceptor variant, splice donor variant.
Genome position (GRCh38, 1-based): chr10:68,422,622-68,427,980, 5,359 bases deleted. GRCh37 (hg19): chr10:70,182,382-70,187,740.
Other names: EX15 DEL.
Identifiers: ClinVar variation 1710085 (VCV001710085.2), ClinGen allele CA2580081739.